The following is an entry in ClinVar:

ClinVar aggregate classification (germline): Uncertain significance (1 of 4 stars; one submission).

Conditions:
Epileptic encephalopathy. Identifiers: MedGen C0543888, HP:0200134.

Submission:

Labcorp Genetics (formerly Invitae), Labcorp
Classification: Uncertain significance for Epileptic encephalopathy. Last evaluated: 2021-06-01. Review status: criteria provided, single submitter. Criteria: Invitae Variant Classification Sherloc (09022015). Collection method: clinical testing. Allele origin: germline.
Comment: Experimental studies and prediction algorithms are not available or were not evaluated, and the functional significance of this variant is currently unknown. In summary, the available evidence is currently insufficient to determine the role of this variant in disease. Therefore, it has been classified as a Variant of Uncertain Significance. This variant has not been reported in the literature in individuals with FASN-related conditions. This variant, c.3030_3041dup, results in the insertion of 4 amino acid(s) to the FASN protein (p.Ala1011_Glu1014dup), but otherwise preserves the integrity of the reading frame. This variant is not present in population databases (ExAC no frequency).

NM_004104.5(FASN):c.3030_3041dup (p.Ala1011_Glu1014dup)

Gene: FASN (fatty acid synthase; minus strand). Cytogenetic location: 17q25.3.
Variant type: Duplication.
Coding change: c.3030_3041dup on transcript NM_004104.5 (MANE Select); coding-DNA positions 3030 to 3041, 12 bases duplicated (GGCCAGCCTGGA).
Protein change: p.Ala1011_Glu1014dup.
Molecular consequence: inframe insertion.
Genome position (GRCh38, 1-based): chr17:82,087,687-82,087,698, TCCAGGCTGGCC duplicated on the plus strand (GGCCAGCCTGGA on the coding strand, the reverse complement: FASN is on the minus strand); duplicating any 12 consecutive bases within chr17:82,087,687-82,087,704 gives the same sequence; the c. name uses the placement nearest the transcript's 3' end. VCF-style (leftmost placement, unchanged base first): chr17-82087686-T-TTCCAGGCTGGCC. GRCh37 (hg19) VCF-style: chr17-80045562-T-TTCCAGGCTGGCC.
Identifiers: ClinVar variation 1476230 (VCV001476230.8), dbSNP rs1598578904, ClinGen allele CA919909651.